The following is an entry in ClinVar:

NM_001032382.2(PQBP1):c.396C>G (p.Asp132Glu)

Gene: PQBP1 (polyglutamine binding protein 1; plus strand). Cytogenetic location: Xp11.23.
Variant type: single nucleotide variant.
Coding change: c.396C>G on transcript NM_001032382.2 (MANE Select); coding-DNA position 396, C replaced by G.
Protein change: p.Asp132Glu; replaces aspartic acid 132 with glutamic acid.
Molecular consequence: missense variant. On other transcripts: intron variant (2).
Genome position (GRCh38, 1-based): chrX:48,902,336, C>G. VCF-style: chrX-48902336-C-G. GRCh37 (hg19) VCF-style: chrX-48759613-C-G.
Other names: c.396C>G, p.Asp132Glu (NM_001032381.2, NM_001032383.2, NM_001032384.1 and 2 more transcripts); c.372C>G, p.Asp124Glu (NM_001167990.2); c.292+294C>G (NM_144495.3); c.202-106C>G (NM_001167992.1); short protein forms D124E, D132E.
Identifiers: ClinVar variation 1700493 (VCV001700493.2), dbSNP rs2147474254, ClinGen allele CA412889834.
Genomic context (GRCh38, chrX:48,902,336, plus strand): 5'-GGGCCATGACAAGTCGGACCGCAGCCATGAGAAACTAGACAGGGGCCACGACAAGTCAGA[C>G]CGGGGCCACGACAAGTCTGACAGGGATCGAGAGCGTGGCTATGACAAGGTAGACAGAGAG-3'
Protein context (NP_001027554.1, residues 122-142): EKLDRGHDKS[Asp132Glu]RGHDKSDRDR

ClinVar aggregate classification (germline): Uncertain significance (1 of 4 stars; one submission).

Submission:

GeneDx
Classification: Uncertain significance. Last evaluated: 2022-08-04. Review status: criteria provided, single submitter. Criteria: GeneDx Variant Classification Process June 2021. Collection method: clinical testing. Allele origin: germline. Affected: yes.
Comment: Not observed at significant frequency in large population cohorts (gnomAD); In silico analysis supports that this missense variant does not alter protein structure/function; Has not been previously published as pathogenic or benign to our knowledge